The following is an entry in ClinVar:

NM_015175.3(NBEAL2):c.1635G>A (p.Ser545=)

Gene: NBEAL2 (neurobeachin like 2; plus strand). Cytogenetic location: 3p21.31.
Variant type: single nucleotide variant.
Coding change: c.1635G>A on transcript NM_015175.3 (MANE Select); coding-DNA position 1635, G replaced by A.
Protein change: p.Ser545=; no amino-acid change (serine 545 retained).
Molecular consequence: synonymous variant.
Genome position (GRCh38, 1-based): chr3:46,995,370, G>A. VCF-style: chr3-46995370-G-A. GRCh37 (hg19) VCF-style: chr3-47036860-G-A.
Other names: p.Ser545=; c.1533G>A, p.Ser511= (NM_001365116.2).
Identifiers: ClinVar variation 774419 (VCV000774419.51), dbSNP rs371768924, ClinGen allele CA2360423.
Genomic context (GRCh38, chr3:46,995,370, plus strand): 5'-TGTATCAATAAGGCCCATGGAGCTGCGTCACCTGCTGCGCCCCCGGCCAGGATTGGACTC[G>A]GAACCAGGCGGAGCTGAGGCTGGAAAGGCCCGACACGCAGGTGCTGTCATCCGCACATTA-3'
Protein context (NP_055990.1, residues 535-555): HLLRPRPGLD[Ser545=]EPGGAEAGKA

ClinVar aggregate classification (germline): Conflicting classifications of pathogenicity. Review status: criteria provided, conflicting classifications (1 of 4 stars). 9 submissions from 9 submitters: Uncertain significance (1); Likely benign (5). 3 of the submissions do not count toward it. Last evaluated 2026-01-26.

Conditions:
NBEAL2-related disorder. Also called: NBEAL2-related condition.
Gray platelet syndrome (GPS). Also called: BLEEDING DISORDER, PLATELET-TYPE, 4. Identifiers: Orphanet 721, MedGen C0272302, MONDO:0007686, OMIM 139090.

Allele frequency attached by ClinVar (database versions not stated): ExAC 0.00038; gnomAD exomes 0.00039 and 0.00078; ESP Exome Variant Server 0.00047; gnomAD 0.00053 and 0.00054; TOPMed 0.00056.
gnomAD v4.1: 1,220 of 1,612,192 alleles (0.076%); highest among the groups gnomAD compares: Non-Finnish European, 0.096%; 1 homozygote.

Submissions (9):

Women's Health and Genetics/Laboratory Corporation of America, LabCorp
Classification: Likely benign. Last evaluated: 2026-01-26. Review status: criteria provided, single submitter. Criteria: LabCorp Variant Classification Summary - May 2015. Collection method: clinical testing. Allele origin: germline.

Mayo Clinic Laboratories, Mayo Clinic
Classification: Likely benign. Last evaluated: 2025-04-10. Review status: criteria provided, single submitter. Criteria: ACMG Guidelines, 2015. Collection method: clinical testing. Allele origin: germline. Observed: 2 variant alleles.
Comment: BS1_supporting, BP4, BP7

Blueprint Genetics
Classification: Likely benign. Last evaluated: 2024-11-26. Review status: criteria provided, single submitter. Criteria: ACMG Guidelines, 2015. Collection method: clinical testing. Allele origin: germline.

CeGaT Center for Human Genetics Tuebingen
Classification: Likely benign. Last evaluated: 2023-06-01. Review status: criteria provided, single submitter. Criteria: CeGaT Center For Human Genetics Tuebingen Variant Classification Criteria Version 2. Collection method: clinical testing. Allele origin: germline. Affected: yes. Observed: 2 variant alleles.
Comment: NBEAL2: BP4, BP7

Labcorp Genetics (formerly Invitae), Labcorp
Classification: Likely benign. Last evaluated: 2019-12-31. Review status: criteria provided, single submitter. Criteria: Invitae Variant Classification Sherloc (09022015). Collection method: clinical testing. Allele origin: germline.

Illumina Laboratory Services, Illumina
Classification: Uncertain significance for Gray platelet syndrome. Last evaluated: 2018-01-13. Review status: criteria provided, single submitter. Criteria: ICSL Variant Classification Criteria 13 December 2019. Collection method: clinical testing. Allele origin: germline.

PreventionGenetics, part of Exact Sciences
Classification: Likely benign for NBEAL2-related condition. Last evaluated: 2023-07-18. Review status: no assertion criteria provided. Collection method: clinical testing. Allele origin: germline. Not counted in ClinVar's aggregate classification.
Comment: This variant is classified as likely benign based on ACMG/AMP sequence variant interpretation guidelines (Richards et al. 2015 PMID: 25741868, with internal and published modifications).

Clinical Genetics DNA and cytogenetics Diagnostics Lab, Erasmus MC, Erasmus Medical Center
Classification: Likely benign. Review status: no assertion criteria provided. Collection method: clinical testing. Allele origin: germline. Affected: yes. Study: VKGL Data-share Consensus. Not counted in ClinVar's aggregate classification.

Joint Genome Diagnostic Labs from Nijmegen and Maastricht, Radboudumc and MUMC+
Classification: Likely benign. Review status: no assertion criteria provided. Collection method: clinical testing. Allele origin: germline. Affected: yes. Study: VKGL Data-share Consensus. Not counted in ClinVar's aggregate classification.